The following is an entry in ClinVar:

ClinVar aggregate classification (germline): Uncertain significance (1 of 4 stars; one submission).

Allele frequency attached by ClinVar (database versions not stated): TOPMed below 0.00001; gnomAD 0.00001.
gnomAD v4.1: 41 of 1,561,694 alleles (0.0026%); highest among the groups gnomAD compares: Non-Finnish European, 0.0034%; no homozygotes.

Submission:

Labcorp Genetics (formerly Invitae), Labcorp
Classification: Uncertain significance. Last evaluated: 2025-08-09. Review status: criteria provided, single submitter. Criteria: Invitae Variant Classification Sherloc (09022015). Collection method: clinical testing. Allele origin: germline.
Comment: This sequence change replaces arginine, which is basic and polar, with cysteine, which is neutral and slightly polar, at codon 1172 of the CYFIP2 protein (p.Arg1172Cys). This variant is present in population databases (rs747100012, gnomAD 0.004%). This variant has not been reported in the literature in individuals affected with CYFIP2-related conditions. ClinVar contains an entry for this variant (Variation ID: 2869571). Experimental studies and prediction algorithms are not available or were not evaluated, and the functional significance of this variant is currently unknown. In summary, the available evidence is currently insufficient to determine the role of this variant in disease. Therefore, it has been classified as a Variant of Uncertain Significance.

NM_001037333.3(CYFIP2):c.3514C>T (p.Arg1172Cys)

Genes: CYFIP2 (cytoplasmic FMR1 interacting protein 2; plus strand), NIPAL4-DT (NIPAL4 divergent transcript; minus strand), LOC126807569 (P300/CBP strongly-dependent group 1 enhancer GRCh37_chr5:156817055-156818254; plus strand). Cytogenetic location: 5q33.3.
Variant type: single nucleotide variant.
Coding change: c.3514C>T on transcript NM_001037333.3 (MANE Select); coding-DNA position 3514, C replaced by T.
Protein change: p.Arg1172Cys; replaces arginine 1172 with cysteine.
Molecular consequence: missense variant.
Genome position (GRCh38, 1-based): chr5:157,390,588, C>T. VCF-style: chr5-157390588-C-T. GRCh37 (hg19) VCF-style: chr5-156817596-C-T.
Other names: c.3436C>T, p.Arg1146Cys (NM_001291721.2); c.3589C>T, p.Arg1197Cys (NM_001291722.2); c.3514C>T, p.Arg1172Cys (NM_014376.4); short protein forms R1146C, R1197C, R1172C.
Identifiers: ClinVar variation 2869571 (VCV002869571.3), dbSNP rs747100012, ClinGen allele CA3534398.